The following is an entry in ClinVar:

NM_021267.5(CERS1):c.817C>T (p.Arg273Cys)

Genes: CERS1 (ceramide synthase 1; minus strand), GDF1 (growth differentiation factor 1; minus strand). Cytogenetic location: 19p13.11.
Variant type: single nucleotide variant.
Coding change: c.817C>T on transcript NM_021267.5 (MANE Select); coding-DNA position 817, C replaced by T.
Protein change: p.Arg273Cys; replaces arginine 273 with cysteine.
Molecular consequence: missense variant. On other transcripts: 5 prime UTR variant (1), intron variant (1).
Genome position (GRCh38, 1-based): chr19:18,879,324, G>A on the plus strand (C>T on the coding strand, the complement: CERS1 is on the minus strand). VCF-style: chr19-18879324-G-A. GRCh37 (hg19) VCF-style: chr19-18990133-G-A.
Other names: c.523C>T, p.Arg175Cys (NM_001290265.2, NM_001387442.1, NM_001387443.1 and 2 more transcripts); c.817C>T, p.Arg273Cys (NM_001387439.1, NM_001387440.1, NM_198207.3); c.772C>T, p.Arg258Cys (NM_001387441.1); c.-506C>T (NM_001492.6); c.-313+4763C>T (NM_001387438.1); c.817C>T (NM_021267.3); short protein forms R175C, R258C, R273C.
Identifiers: ClinVar variation 1483773 (VCV001483773.9), dbSNP rs772007237, ClinGen allele CA9318147.

ClinVar aggregate classification (germline): Uncertain significance. Review status: criteria provided, multiple submitters, no conflicts (2 of 4 stars). 2 submissions from 2 submitters: Uncertain significance (2). Last evaluated 2025-08-25.

Conditions:
Progressive myoclonic epilepsy type 8. Identifiers: Orphanet 424027, MedGen C5190825, MONDO:0014545, OMIM 616230.

Allele frequency attached by ClinVar (database versions not stated): gnomAD 0.00003 and 0.00004; gnomAD exomes 0.00003 and 0.00004; ExAC 0.00004.
gnomAD v4.1: 66 of 1,608,344 alleles (0.0041%); highest among the groups gnomAD compares: Non-Finnish European, 0.0053%; no homozygotes.

Submissions (2):

Ambry Genetics
Classification: Uncertain significance. Last evaluated: 2025-08-25. Review status: criteria provided, single submitter. Criteria: Ambry Variant Classification Scheme 2023. Collection method: clinical testing. Allele origin: germline.

Labcorp Genetics (formerly Invitae), Labcorp
Classification: Uncertain significance for Progressive myoclonic epilepsy type 8. Last evaluated: 2024-02-16. Review status: criteria provided, single submitter. Criteria: Invitae Variant Classification Sherloc (09022015). Collection method: clinical testing. Allele origin: germline.
Comment: This sequence change replaces arginine, which is basic and polar, with cysteine, which is neutral and slightly polar, at codon 273 of the CERS1 protein (p.Arg273Cys). This variant is present in population databases (rs772007237, gnomAD 0.006%). This variant has not been reported in the literature in individuals affected with CERS1-related conditions. ClinVar contains an entry for this variant (Variation ID: 1483773). Advanced modeling of protein sequence and biophysical properties (such as structural, functional, and spatial information, amino acid conservation, physicochemical variation, residue mobility, and thermodynamic stability) performed at Invitae indicates that this missense variant is not expected to disrupt CERS1 protein function with a negative predictive value of 80%. In summary, the available evidence is currently insufficient to determine the role of this variant in disease. Therefore, it has been classified as a Variant of Uncertain Significance.